The following is an entry in ClinVar:

ClinVar aggregate classification (germline): Uncertain significance (1 of 4 stars; one submission).

Submission:

GeneDx
Classification: Uncertain significance. Last evaluated: 2016-12-21. Review status: criteria provided, single submitter. Criteria: GeneDx Variant Classification (06012015). Collection method: clinical testing. Allele origin: germline. Affected: yes.
Comment: The E145Q variant in the SRP72 gene has not been reported previously as a pathogenic variant, nor as a benign variant, to our knowledge. The E145Q variant was not observed in approximately 6500 individuals of European and African American ancestry in the NHLBI Exome Sequencing Project, indicating it is not a common benign variant in these populations. The E145Q variant is a semi-conservative amino acid substitution, which may impact secondary protein structure as these residues differ in some properties. This substitution occurs at a position that is conserved across species. In silico analysis is inconsistent in its predictions as to whether or not the variant is damaging to the protein structure/function. We interpret E145Q as a variant of uncertain significance.

NM_006947.4(SRP72):c.433G>C (p.Glu145Gln)

Gene: SRP72 (signal recognition particle 72; plus strand). Cytogenetic location: 4q12.
Variant type: single nucleotide variant.
Coding change: c.433G>C on transcript NM_006947.4 (MANE Select); coding-DNA position 433, G replaced by C.
Protein change: p.Glu145Gln; replaces glutamic acid 145 with glutamine.
Molecular consequence: missense variant. On other transcripts: non-coding transcript variant (1).
Genome position (GRCh38, 1-based): chr4:56,474,132, G>C. VCF-style: chr4-56474132-G-C. GRCh37 (hg19) VCF-style: chr4-57340298-G-C.
Other names: c.433G>C, p.Glu145Gln (NM_001267722.2); short protein forms E145Q.
Identifiers: ClinVar variation 391578 (VCV000391578.2), dbSNP rs1057524146, ClinGen allele CA16605113.